The following is an entry in ClinVar:

ClinVar aggregate classification (germline): Uncertain significance (1 of 4 stars; one submission).

gnomAD v4.1: 1 of 1,612,530 alleles (0.000062%); highest among the groups gnomAD compares: East Asian, 0.0022%; no homozygotes.

Submission:

GeneDx
Classification: Uncertain significance. Last evaluated: 2023-06-09. Review status: criteria provided, single submitter. Criteria: GeneDx Variant Classification Process June 2021. Collection method: clinical testing. Allele origin: germline. Affected: yes.
Comment: Has not been previously published as pathogenic or benign to our knowledge; Not observed at significant frequency in large population cohorts (gnomAD); In silico analysis supports that this variant does not alter splicing

NM_001470.4(GABBR1):c.792G>A (p.Val264=)

Gene: GABBR1 (gamma-aminobutyric acid type B receptor subunit 1; minus strand). Cytogenetic location: 6p22.1.
Variant type: single nucleotide variant.
Coding change: c.792G>A on transcript NM_001470.4 (MANE Select); coding-DNA position 792, G replaced by A.
Protein change: p.Val264=; no amino-acid change (valine 264 retained).
Molecular consequence: synonymous variant.
Genome position (GRCh38, 1-based): chr6:29,623,890, C>T on the plus strand (G>A on the coding strand, the complement: GABBR1 is on the minus strand). VCF-style: chr6-29623890-C-T. GRCh37 (hg19) VCF-style: chr6-29591667-C-T.
Other names: c.261G>A, p.Val87= (NM_001319053.2); c.441G>A, p.Val147= (NM_021903.3); c.606G>A, p.Val202= (NM_021904.4).
Identifiers: ClinVar variation 3359455 (VCV003359455.1).